The following is an entry in ClinVar:

ClinVar aggregate classification (germline): Uncertain significance (1 of 4 stars; one submission).

Conditions:
Familial sleep-related hypermotor epilepsy. Also called: Autosomal Dominant Sleep-Related Hypermotor (Hyperkinetic) Epilepsy. Identifiers: Orphanet 98784, MedGen C3696898, MONDO:0000030.

Allele frequency attached by ClinVar (database versions not stated): gnomAD exomes below 0.00001.
gnomAD v4.1: 10 of 1,614,240 alleles (0.00062%); highest among the groups gnomAD compares: Non-Finnish European, 0.00085%; no homozygotes.

Submission:

Labcorp Genetics (formerly Invitae), Labcorp
Classification: Uncertain significance. Last evaluated: 2023-09-29. Review status: criteria provided, single submitter. Criteria: Invitae Variant Classification Sherloc (09022015). Collection method: clinical testing. Allele origin: germline.
Comment: This sequence change creates a premature translational stop signal (p.Cys183*) in the CHRNA2 gene. It is expected to result in an absent or disrupted protein product. However, the current clinical and genetic evidence is not sufficient to establish whether loss-of-function variants in CHRNA2 cause disease. This variant is present in population databases (no rsID available, gnomAD 0.0009%). This variant has not been reported in the literature in individuals affected with CHRNA2-related conditions. ClinVar contains an entry for this variant (Variation ID: 1378011). In summary, the available evidence is currently insufficient to determine the role of this variant in disease. Therefore, it has been classified as a Variant of Uncertain Significance.

NM_000742.4(CHRNA2):c.549C>A (p.Cys183Ter)

Gene: CHRNA2 (cholinergic receptor nicotinic alpha 2 subunit; minus strand). Cytogenetic location: 8p21.2.
Variant type: single nucleotide variant.
Coding change: c.549C>A on transcript NM_000742.4 (MANE Select); coding-DNA position 549, C replaced by A.
Protein change: p.Cys183Ter; replaces cysteine 183 with a stop codon.
Molecular consequence: nonsense. On other transcripts: intron variant (2).
Genome position (GRCh38, 1-based): chr8:27,463,894, G>T on the plus strand (C>A on the coding strand, the complement: CHRNA2 is on the minus strand). VCF-style: chr8-27463894-G-T. GRCh37 (hg19) VCF-style: chr8-27321411-G-T.
Other names: c.504C>A, p.Cys168Ter (NM_001282455.2); c.72C>A, p.Cys24Ter (NM_001347705.2, NM_001347706.2); c.-12-34C>A (NM_001347708.2); c.-9-37C>A (NM_001347707.2); short protein forms C183*, C24*, C168*.
Identifiers: ClinVar variation 1378011 (VCV001378011.4), dbSNP rs1563319049, ClinGen allele CA370811362.